The following is an entry in ClinVar:

ClinVar aggregate classification (germline): Uncertain significance (1 of 4 stars; one submission).

Allele frequency attached by ClinVar (database versions not stated): gnomAD 0.00003 and 0.00004; TOPMed 0.00003; ExAC 0.00004; gnomAD exomes 0.00004.
gnomAD v4.1: 73 of 1,613,240 alleles (0.0045%); highest among the groups gnomAD compares: Non-Finnish European, 0.0058%; no homozygotes.

Submission:

Labcorp Genetics (formerly Invitae), Labcorp
Classification: Uncertain significance. Last evaluated: 2024-03-01. Review status: criteria provided, single submitter. Criteria: Invitae Variant Classification Sherloc (09022015). Collection method: clinical testing. Allele origin: germline.
Comment: This sequence change replaces serine, which is neutral and polar, with arginine, which is basic and polar, at codon 229 of the SCARB1 protein (p.Ser229Arg). This variant is present in population databases (rs757116603, gnomAD 0.008%). This variant has not been reported in the literature in individuals affected with SCARB1-related conditions. ClinVar contains an entry for this variant (Variation ID: 1404938). Advanced modeling of protein sequence and biophysical properties (such as structural, functional, and spatial information, amino acid conservation, physicochemical variation, residue mobility, and thermodynamic stability) performed at Invitae indicates that this missense variant is not expected to disrupt SCARB1 protein function with a negative predictive value of 80%. In summary, the available evidence is currently insufficient to determine the role of this variant in disease. Therefore, it has been classified as a Variant of Uncertain Significance.

NM_005505.5(SCARB1):c.687C>G (p.Ser229Arg)

Gene: SCARB1 (scavenger receptor class B member 1; minus strand). Cytogenetic location: 12q24.31.
Variant type: single nucleotide variant.
Coding change: c.687C>G on transcript NM_005505.5 (MANE Select); coding-DNA position 687, C replaced by G.
Protein change: p.Ser229Arg; replaces serine 229 with arginine.
Molecular consequence: missense variant. On other transcripts: non-coding transcript variant (9).
Genome position (GRCh38, 1-based): chr12:124,811,909, G>C on the plus strand (C>G on the coding strand, the complement: SCARB1 is on the minus strand). VCF-style: chr12-124811909-G-C. GRCh37 (hg19) VCF-style: chr12-125296455-G-C.
Other names: c.687C>G, p.Ser229Arg (NM_001082959.2, NM_001367981.1, NM_001367983.1 and 6 more transcripts); c.564C>G, p.Ser188Arg (NM_001367982.1); short protein forms S229R, S188R.
Identifiers: ClinVar variation 1404938 (VCV001404938.8), dbSNP rs757116603, ClinGen allele CA6870478.